The following is an entry in ClinVar:

NM_001378454.1(ALMS1):c.9386A>C (p.Gln3129Pro)

Gene: ALMS1 (ALMS1 centrosome and basal body associated protein; plus strand). Cytogenetic location: 2p13.1.
Variant type: single nucleotide variant.
Coding change: c.9386A>C on transcript NM_001378454.1 (MANE Select); coding-DNA position 9386, A replaced by C.
Protein change: p.Gln3129Pro; replaces glutamine 3129 with proline.
Molecular consequence: missense variant.
Genome position (GRCh38, 1-based): chr2:73,491,345, A>C. VCF-style: chr2-73491345-A-C. GRCh37 (hg19) VCF-style: chr2-73718472-A-C.
Other names: c.9389A>C, p.Gln3130Pro (NM_015120.4); short protein forms Q3130P, Q3129P.
Identifiers: ClinVar variation 553183 (VCV000553183.16), dbSNP rs372015288, ClinGen allele CA1714650.
Genomic context (GRCh38, chr2:73,491,345, plus strand): 5'-AGGATCAAGAATCTTTAGGTTTTCTAGGACCTAAATCTTCACTGGATTTCCAAGTCGTAC[A>C]GCCTTCTCTTCCAGACAGTAACACTATTACTCAGGACTTGAAAACCATACCTTCTCAGAA-3'
Protein context (NP_001365383.1, residues 3119-3139): PKSSLDFQVV[Gln3129Pro]PSLPDSNTIT

ClinVar aggregate classification (germline): Uncertain significance. Review status: criteria provided, multiple submitters, no conflicts (2 of 4 stars). 7 submissions from 7 submitters: Uncertain significance (5). 2 of the submissions do not count toward it. Last evaluated 2025-10-26.

Conditions:
Cardiovascular phenotype. Identifiers: MedGen CN230736.
Alstrom syndrome (ALMS). Identifiers: Orphanet 64, MedGen C0268425, MONDO:0008763, OMIM 203800.

Allele frequency attached by ClinVar (database versions not stated): ExAC 0.00001; gnomAD 0.00003 and 0.00004; TOPMed 0.00003; ESP Exome Variant Server 0.00008.
gnomAD v4.1: 24 of 1,614,074 alleles (0.0015%); highest among the groups gnomAD compares: Non-Finnish European, 0.0019%; no homozygotes.

Submissions (7):

GeneDx
Classification: Uncertain significance. Last evaluated: 2025-10-26. Review status: criteria provided, single submitter. Criteria: GeneDx Variant Classification Process June 2021. Collection method: clinical testing. Allele origin: germline. Affected: yes.
Comment: Not observed at significant frequency in large population cohorts (gnomAD); In silico analysis supports that this missense variant has a deleterious effect on protein structure/function; Has not been previously published as pathogenic or benign to our knowledge

Blueprint Genetics
Classification: Uncertain significance. Last evaluated: 2024-10-29. Review status: criteria provided, single submitter. Criteria: ACMG Guidelines, 2015. Collection method: clinical testing. Allele origin: germline.

Ambry Genetics
Classification: Uncertain significance for Cardiovascular phenotype. Last evaluated: 2023-01-13. Review status: criteria provided, single submitter. Criteria: Ambry Variant Classification Scheme 2023. Collection method: clinical testing. Allele origin: germline.
Comment: The p.Q3130P variant (also known as c.9389A>C), located in coding exon 10 of the ALMS1 gene, results from an A to C substitution at nucleotide position 9389. The glutamine at codon 3130 is replaced by proline, an amino acid with similar properties. This amino acid position is well conserved in available vertebrate species. In addition, the in silico prediction for this alteration is inconclusive. Since supporting evidence is limited at this time, the clinical significance of this alteration remains unclear.

Fulgent Genetics
Classification: Uncertain significance for Alstrom syndrome. Last evaluated: 2021-11-11. Review status: criteria provided, single submitter. Criteria: ACMG Guidelines, 2015. Collection method: clinical testing. Allele origin: unknown.

Labcorp Genetics (formerly Invitae), Labcorp
Classification: Uncertain significance for Alstrom syndrome. Last evaluated: 2021-10-25. Review status: criteria provided, single submitter. Criteria: Invitae Variant Classification Sherloc (09022015). Collection method: clinical testing. Allele origin: germline.
Comment: This sequence change replaces glutamine, which is neutral and polar, with proline, which is neutral and non-polar, at codon 3130 of the ALMS1 protein (p.Gln3130Pro). This variant is present in population databases (rs372015288, gnomAD 0.0009%). This variant has not been reported in the literature in individuals affected with ALMS1-related conditions. ClinVar contains an entry for this variant (Variation ID: 553183). Experimental studies and prediction algorithms are not available or were not evaluated, and the functional significance of this variant is currently unknown. In summary, the available evidence is currently insufficient to determine the role of this variant in disease. Therefore, it has been classified as a Variant of Uncertain Significance.

Natera, Inc.
Classification: Uncertain significance for Alstrom syndrome. Last evaluated: 2021-04-10. Review status: no assertion criteria provided. Collection method: clinical testing. Allele origin: germline. Not counted in ClinVar's aggregate classification.

Counsyl
Classification: Uncertain significance for Alstrom syndrome. Last evaluated: 2017-08-04. Review status: no assertion criteria provided. Collection method: clinical testing. Allele origin: unknown. Not counted in ClinVar's aggregate classification.